The following is an entry in ClinVar:

ClinVar aggregate classification (germline): Uncertain significance (1 of 4 stars; one submission).

Conditions:
Hypertrophic cardiomyopathy. Also called: HYPERTROPHIC MYOCARDIOPATHY. Identifiers: Orphanet 217569, MedGen C0007194, MeSH D002312, MONDO:0005045, HP:0001639.

Submission:

Labcorp Genetics (formerly Invitae), Labcorp
Classification: Uncertain significance for Hypertrophic cardiomyopathy. Last evaluated: 2024-01-29. Review status: criteria provided, single submitter. Criteria: Invitae Variant Classification Sherloc (09022015). Collection method: clinical testing. Allele origin: unknown.
Comment: This variant is a gross deletion of the genomic region encompassing exon(s) 37-40 of the MYH7 gene, which includes the termination codon. This deletion extends beyond the assayed region for this gene and therefore may encompass additional genes. While this deletion is not anticipated to lead to nonsense mediated decay, it is expected to alter mRNA translation or result in a truncated protein product. This variant has not been reported in the literature in individuals affected with MYH7-related conditions. Experimental studies and prediction algorithms are not available or were not evaluated, and the functional significance of this variant is currently unknown. In summary, the available evidence is currently insufficient to determine the role of this variant in disease. Therefore, it has been classified as a Variant of Uncertain Significance.

NC_000014.8:g.(?_23854105)_(23884499_?)del

Genes: MIR208A (microRNA 208a; minus strand), MYH6 (myosin heavy chain 6; minus strand), MYH7 (myosin heavy chain 7; minus strand). Cytogenetic location: 14q11.2.
Variant type: Deletion.
Identifiers: ClinVar variation 3243934 (VCV003243934.1).